The following is an entry in ClinVar:

NM_030665.4(RAI1):c.4980G>T (p.Pro1660=)

Gene: RAI1 (retinoic acid induced 1; plus strand). Cytogenetic location: 17p11.2.
Variant type: single nucleotide variant.
Coding change: c.4980G>T on transcript NM_030665.4 (MANE Select); coding-DNA position 4980, G replaced by T.
Protein change: p.Pro1660=; no amino-acid change (proline 1660 retained).
Molecular consequence: synonymous variant.
Genome position (GRCh38, 1-based): chr17:17,797,928, G>T. VCF-style: chr17-17797928-G-T. GRCh37 (hg19) VCF-style: chr17-17701242-G-T.
Identifiers: ClinVar variation 588789 (VCV000588789.29), dbSNP rs114118087, ClinGen allele CA8419078.

ClinVar aggregate classification (germline): Benign/Likely benign. Review status: criteria provided, multiple submitters, no conflicts (2 of 4 stars). 6 submissions from 6 submitters: Benign (4); Likely benign (2). Last evaluated 2026-02-03.

Conditions:
Inborn genetic diseases. Identifiers: MedGen C0950123, MeSH D030342.

Allele frequency attached by ClinVar (database versions not stated): ExAC 0.00128; TOPMed 0.00368; 1000 Genomes Project 0.00419; 1000 Genomes Project 30x 0.00484; ESP Exome Variant Server 0.00531.
gnomAD v4.1: 1,060 of 1,613,942 alleles (0.066%); highest among the groups gnomAD compares: African/African-American, 1.3%; 5 homozygotes.

Submissions (6):

Labcorp Genetics (formerly Invitae), Labcorp
Classification: Benign. Last evaluated: 2026-02-03. Review status: criteria provided, single submitter. Criteria: Invitae Variant Classification Sherloc (09022015). Collection method: clinical testing. Allele origin: germline.

CeGaT Center for Human Genetics Tuebingen
Classification: Likely benign. Last evaluated: 2024-11-01. Review status: criteria provided, single submitter. Criteria: CeGaT Center For Human Genetics Tuebingen Variant Classification Criteria Version 2. Collection method: clinical testing. Allele origin: germline. Affected: yes. Observed: 1 variant allele.
Comment: RAI1: BP4, BP7, BS1

Blueprint Genetics
Classification: Likely benign. Last evaluated: 2024-09-21. Review status: criteria provided, single submitter. Criteria: ACMG Guidelines, 2015. Collection method: clinical testing. Allele origin: germline.

GeneDx
Classification: Benign. Last evaluated: 2019-02-12. Review status: criteria provided, single submitter. Criteria: GeneDx Variant Classification Process June 2021. Collection method: clinical testing. Allele origin: germline. Affected: yes.

Ambry Genetics
Classification: Benign for Inborn genetic diseases. Last evaluated: 2016-06-23. Review status: criteria provided, single submitter. Criteria: Ambry Variant Classification Scheme 2023. Collection method: clinical testing. Allele origin: germline.

Breakthrough Genomics
Classification: Benign. Review status: criteria provided, single submitter. Criteria: ACMG Guidelines, 2015. Collection method: not provided. Allele origin: germline. Inheritance: Autosomal dominant inheritance. Affected: yes.